The following is an entry in ClinVar:

NM_007129.5(ZIC2):c.210_236del (p.Pro71_Ser79del)

Gene: ZIC2 (Zic family zinc finger 2; plus strand). Cytogenetic location: 13q32.3.
Variant type: Deletion.
Coding change: c.210_236del on transcript NM_007129.5 (MANE Select); coding-DNA positions 210 to 236, 27 bases deleted (CCCGGGCCAGAGCTCGGCGTTCACGTC).
Protein change: p.Pro71_Ser79del.
Molecular consequence: inframe deletion.
Genome position (GRCh38, 1-based): chr13:99,982,274-99,982,300, CCCGGGCCAGAGCTCGGCGTTCACGTC deleted; deleting any 27 consecutive bases within chr13:99,982,271-99,982,300 gives the same sequence; the c. name uses the placement nearest the transcript's 3' end. VCF-style (leftmost placement, unchanged base first): chr13-99982270-TGTCCCCGGGCCAGAGCTCGGCGTTCAC-T. GRCh37 (hg19) VCF-style: chr13-100634524-TGTCCCCGGGCCAGAGCTCGGCGTTCAC-T.
Identifiers: ClinVar variation 3623054 (VCV003623054.2).

ClinVar aggregate classification (germline): Uncertain significance (1 of 4 stars; one submission).

Conditions:
Holoprosencephaly 5 (HPE5). Identifiers: Orphanet 2162, MedGen C1864827, MONDO:0012322, OMIM 609637.

Submission:

Labcorp Genetics (formerly Invitae), Labcorp
Classification: Uncertain significance for Holoprosencephaly 5. Last evaluated: 2024-04-07. Review status: criteria provided, single submitter. Criteria: Invitae Variant Classification Sherloc (09022015). Collection method: clinical testing. Allele origin: germline.
Comment: This variant, c.210_236del, results in the deletion of 9 amino acid(s) of the ZIC2 protein (p.Pro71_Ser79del), but otherwise preserves the integrity of the reading frame. This variant is not present in population databases (gnomAD no frequency). This variant has not been reported in the literature in individuals affected with ZIC2-related conditions. Experimental studies and prediction algorithms are not available or were not evaluated, and the functional significance of this variant is currently unknown. In summary, the available evidence is currently insufficient to determine the role of this variant in disease. Therefore, it has been classified as a Variant of Uncertain Significance.